The following is an entry in ClinVar:

NM_000138.5(FBN1):c.2177_2180del (p.Glu726fs)

Gene: FBN1 (fibrillin 1; minus strand). Cytogenetic location: 15q21.1.
Variant type: Microsatellite.
Coding change: c.2177_2180del on transcript NM_000138.5 (MANE Select); coding-DNA positions 2177 to 2180, 4 bases deleted (AATG; older notation c.2177_2180delAATG).
Protein change: p.Glu726fs; shifts the reading frame from glutamic acid 726.
Molecular consequence: frameshift variant.
Genome position (GRCh38, 1-based): chr15:48,497,379-48,497,382, CATT deleted on the plus strand (AATG on the coding strand, the reverse complement: FBN1 is on the minus strand); deleting any 4 consecutive bases within chr15:48,497,379-48,497,386 gives the same sequence; the c. name uses the placement nearest the transcript's 3' end. VCF-style (leftmost placement, unchanged base first): chr15-48497378-ACATT-A. GRCh37 (hg19) VCF-style: chr15-48789575-ACATT-A.
Other names: c.2173_2176AATG[1], p.Glu726Valfs (NM_000138.4); c.2177_2180del, p.Glu726fs (NM_001406716.1); c.2177_2180del (NM_000138.4); short protein forms E726fs.
Identifiers: ClinVar variation 4976689 (VCV004976689.1).
Genomic context (GRCh38, chr15:48,497,378, plus strand): 5'-TTTATAGGTCCCACGAAGGTTTTCACAGATTCCATTTGGGCAAATATCAGGATCTAGTGC[ACATT>A]CATTTATATCTGCACCACAAAAAAGGTCAAAATCAATTAAGATTATAAAATAAATACTGA-3'

ClinVar aggregate classification (germline): Pathogenic (1 of 4 stars; one submission).

Submission:

GeneDx
Classification: Pathogenic. Last evaluated: 2026-01-31. Review status: criteria provided, single submitter. Criteria: GeneDx Variant Classification Process June 2021. Collection method: clinical testing. Allele origin: germline.
Comment: Frameshift variant predicted to result in protein truncation or nonsense mediated decay in a gene for which loss of function is a known mechanism of disease; Not observed at significant frequency in large population cohorts (gnomAD); Has not been previously published as pathogenic or benign to our knowledge